The following is an entry in ClinVar:

NM_006254.4(PRKCD):c.2000A>G (p.Asn667Ser)

Genes: PRKCD (protein kinase C delta; plus strand), LOC129936899 (ATAC-STARR-seq lymphoblastoid active region 19967; plus strand). Cytogenetic location: 3p21.1.
Variant type: single nucleotide variant.
Coding change: c.2000A>G on transcript NM_006254.4 (MANE Select); coding-DNA position 2000, A replaced by G.
Protein change: p.Asn667Ser; replaces asparagine 667 with serine.
Molecular consequence: missense variant.
Genome position (GRCh38, 1-based): chr3:53,192,235, A>G. VCF-style: chr3-53192235-A-G. GRCh37 (hg19) VCF-style: chr3-53226251-A-G.
Other names: c.2000A>G, p.Asn667Ser (NM_001316327.2, NM_001354679.2, NM_001354680.2 and 1 more transcripts); c.2057A>G, p.Asn686Ser (NM_001354676.2); c.2048A>G, p.Asn683Ser (NM_001354678.2); short protein forms N667S, N683S, N686S.
Identifiers: ClinVar variation 5041744 (VCV005041744.1).
Genomic context (GRCh38, chr3:53,192,235, plus strand): 5'-GCGACAAGAACCTCATCGACTCCATGGACCAGTCTGCATTCGCTGGCTTCTCCTTTGTGA[A>G]CCCCAAATTCGAGCACCTCCTGGAAGATTGAGGTTCCTGGACAGATCAGGCTAGCCCTGC-3'
Protein context (NP_006245.2, residues 657-676): QSAFAGFSFV[Asn667Ser]PKFEHLLED

ClinVar aggregate classification (germline): Uncertain significance (1 of 4 stars; one submission).

Submission:

CeGaT Center for Human Genetics Tuebingen
Classification: Uncertain significance. Last evaluated: 2026-09-01. Review status: criteria provided, single submitter. Criteria: CeGaT Center For Human Genetics Tuebingen Variant Classification Criteria Version 2. Collection method: clinical testing. Allele origin: germline. Affected: yes. Observed: 1 variant allele.
Comment: PRKCD: PM2